The following is an entry in ClinVar:

ClinVar aggregate classification (germline): Uncertain significance (1 of 4 stars; one submission).

Allele frequency attached by ClinVar (database versions not stated): TOPMed below 0.00001; gnomAD exomes 0.00001.

Submission:

Labcorp Genetics (formerly Invitae), Labcorp
Classification: Uncertain significance. Last evaluated: 2021-09-06. Review status: criteria provided, single submitter. Criteria: Invitae Variant Classification Sherloc (09022015). Collection method: clinical testing. Allele origin: germline.
Comment: In summary, the available evidence is currently insufficient to determine the role of this variant in disease. Therefore, it has been classified as a Variant of Uncertain Significance. Algorithms developed to predict the effect of missense changes on protein structure and function are either unavailable or do not agree on the potential impact of this missense change (SIFT: "Tolerated"; PolyPhen-2: "Not Available"; Align-GVGD: "Class C0"). This variant has not been reported in the literature in individuals affected with KIAA1161-related conditions. This variant is not present in population databases (ExAC no frequency). This sequence change replaces proline with serine at codon 415 of the KIAA1161 protein (p.Pro415Ser). The proline residue is highly conserved and there is a moderate physicochemical difference between proline and serine.

NM_020702.5(MYORG):c.1243C>T (p.Pro415Ser)

Gene: MYORG (myogenesis regulating glycosidase; minus strand). Cytogenetic location: 9p13.3.
Variant type: single nucleotide variant.
Coding change: c.1243C>T on transcript NM_020702.5 (MANE Select); coding-DNA position 1243, C replaced by T.
Protein change: p.Pro415Ser; replaces proline 415 with serine.
Molecular consequence: missense variant.
Genome position (GRCh38, 1-based): chr9:34,371,701, G>A on the plus strand (C>T on the coding strand, the complement: MYORG is on the minus strand). VCF-style: chr9-34371701-G-A. GRCh37 (hg19) VCF-style: chr9-34371699-G-A.
Other names: short protein forms P415S.
Identifiers: ClinVar variation 1681302 (VCV001681302.4), dbSNP rs900569240, ClinGen allele CA192625028.